The following is an entry in ClinVar:

NM_001377265.1(MAPT):c.2467G>A (p.Glu823Lys)

Gene: MAPT (microtubule associated protein tau). Cytogenetic location: 17q21.31.
Variant type: single nucleotide variant.
Coding change: c.2467G>A on transcript NM_001377265.1 (MANE Select); coding-DNA position 2467, G replaced by A.
Protein change: p.Glu823Lys; replaces glutamic acid 823 with lysine.
Molecular consequence: missense variant. On other transcripts: non-coding transcript variant (1), intron variant (1).
Genome position (GRCh38, 1-based): chr17:46,024,136, G>A. VCF-style: chr17-46024136-G-A. GRCh37 (hg19) VCF-style: chr17-44101502-G-A.
Other names: c.2296G>A, p.Glu766Lys (NM_001123066.4); c.1204G>A, p.Glu402Lys (NM_001123067.4); c.1111G>A, p.Glu371Lys (NM_001203251.2); c.1198G>A, p.Glu400Lys (NM_001203252.2); c.2176G>A, p.Glu726Lys (NM_001377266.1); c.1024G>A, p.Glu342Lys (NM_001377268.1, NM_016841.5); c.1291G>A, p.Glu431Lys (NM_005910.6); c.1117G>A, p.Glu373Lys (NM_016834.5); and 2 more; short protein forms E342K, E371K, E373K, E431K, E402K, E823K, E726K, E400K.
Identifiers: ClinVar variation 2908467 (VCV002908467.3), dbSNP rs769851761, ClinGen allele CA8618280.

ClinVar aggregate classification (germline): Uncertain significance (1 of 4 stars; one submission).

Conditions:
Frontotemporal dementia (FTD1). Also called: MULTIPLE SYSTEM TAUOPATHY WITH PRESENILE DEMENTIA; Frontotemporal Dementia with Parkinsonism-17 (FTDP-17); WILHELMSEN-LYNCH DISEASE; FRONTOTEMPORAL DEMENTIA WITH PARKINSONISM; FRONTOTEMPORAL LOBE DEMENTIA; FRONTOTEMPORAL LOBAR DEGENERATION WITH TAU INCLUSIONS. Identifiers: Orphanet 282, MedGen C0338451, MONDO:0017276, OMIM 600274, HP:0002145.

Allele frequency attached by ClinVar (database versions not stated): ExAC 0.00001; gnomAD exomes 0.00001.
gnomAD v4.1: 17 of 1,614,152 alleles (0.0011%); highest among the groups gnomAD compares: Admixed American, 0.0017%; no homozygotes.

Submission:

Labcorp Genetics (formerly Invitae), Labcorp
Classification: Uncertain significance for Frontotemporal dementia. Last evaluated: 2023-04-20. Review status: criteria provided, single submitter. Criteria: Invitae Variant Classification Sherloc (09022015). Collection method: clinical testing. Allele origin: germline.
Comment: In summary, the available evidence is currently insufficient to determine the role of this variant in disease. Therefore, it has been classified as a Variant of Uncertain Significance. Advanced modeling of protein sequence and biophysical properties (such as structural, functional, and spatial information, amino acid conservation, physicochemical variation, residue mobility, and thermodynamic stability) performed at Invitae indicates that this missense variant is expected to disrupt MAPT protein function. This variant has not been reported in the literature in individuals affected with MAPT-related conditions. This variant is present in population databases (rs769851761, gnomAD 0.006%). This sequence change replaces glutamic acid, which is acidic and polar, with lysine, which is basic and polar, at codon 431 of the MAPT protein (p.Glu431Lys).